The following is an entry in ClinVar:

NM_173630.4(RTTN):c.6189G>T (p.Leu2063Phe)

Gene: RTTN (rotatin; minus strand). Cytogenetic location: 18q22.2.
Variant type: single nucleotide variant.
Coding change: c.6189G>T on transcript NM_173630.4 (MANE Select); coding-DNA position 6189, G replaced by T.
Protein change: p.Leu2063Phe; replaces leucine 2063 with phenylalanine.
Molecular consequence: missense variant.
Genome position (GRCh38, 1-based): chr18:70,017,639, C>A on the plus strand (G>T on the coding strand, the complement: RTTN is on the minus strand). VCF-style: chr18-70017639-C-A. GRCh37 (hg19) VCF-style: chr18-67684875-C-A.
Other names: c.3453G>T, p.Leu1151Phe (NM_001318520.2); short protein forms L2063F, L1151F.
Identifiers: ClinVar variation 594649 (VCV000594649.12), dbSNP rs77798966, ClinGen allele CA8994725.
Genomic context (GRCh38, chr18:70,017,639, plus strand): 5'-CAGGAGTAACTTCAACCAAAGAATAGTCAGATTACTTAGATGTTTATTTCCTCCTTTTGG[C>A]AATGCTAGAGAGAGGAAGTTCTGTAAGAAGTTACTCTGTGGATAAATAGAGAGAATATTA-3'
Protein context (NP_775901.3, residues 2053-2073): NFLQNFLSLA[Leu2063Phe]PKGGNKHLSN

ClinVar aggregate classification (germline): Uncertain significance. Review status: criteria provided, multiple submitters, no conflicts (2 of 4 stars). 5 submissions from 5 submitters: Uncertain significance (5). Last evaluated 2024-11-26.

Conditions:
Inborn genetic diseases. Identifiers: MedGen C0950123, MeSH D030342.

Allele frequency attached by ClinVar (database versions not stated): 1000 Genomes Project 0.00040; 1000 Genomes Project 30x 0.00047; gnomAD exomes 0.00059 and 0.00080; TOPMed 0.00061; ExAC 0.00066; gnomAD 0.00067; ESP Exome Variant Server 0.00076.
gnomAD v4.1: 1,249 of 1,613,330 alleles (0.077%); highest among the groups gnomAD compares: Non-Finnish European, 0.098%; 1 homozygote.

Submissions (6):

Blueprint Genetics
Classification: Uncertain significance. Last evaluated: 2024-11-26. Review status: criteria provided, single submitter. Criteria: ACMG Guidelines, 2015. Collection method: clinical testing. Allele origin: germline.

Labcorp Genetics (formerly Invitae), Labcorp
Classification: Uncertain significance. Last evaluated: 2022-08-16. Review status: criteria provided, single submitter. Criteria: Invitae Variant Classification Sherloc (09022015). Collection method: clinical testing. Allele origin: germline.
Comment: This sequence change replaces leucine, which is neutral and non-polar, with phenylalanine, which is neutral and non-polar, at codon 2063 of the RTTN protein (p.Leu2063Phe). This variant is present in population databases (rs77798966, gnomAD 0.1%), and has an allele count higher than expected for a pathogenic variant. This variant has not been reported in the literature in individuals affected with RTTN-related conditions. ClinVar contains an entry for this variant (Variation ID: 594649). Algorithms developed to predict the effect of missense changes on protein structure and function are either unavailable or do not agree on the potential impact of this missense change (SIFT: "Deleterious"; PolyPhen-2: "Probably Damaging"; Align-GVGD: "Class C0"). In summary, the available evidence is currently insufficient to determine the role of this variant in disease. Therefore, it has been classified as a Variant of Uncertain Significance.

Ambry Genetics
Classification: Uncertain significance for Inborn genetic diseases. Last evaluated: 2021-09-17. Review status: criteria provided, single submitter. Criteria: Ambry Variant Classification Scheme 2023. Collection method: clinical testing. Allele origin: germline.

GeneDx
Classification: Uncertain significance. Last evaluated: 2021-07-29. Review status: criteria provided, single submitter. Criteria: GeneDx Variant Classification Process June 2021. Collection method: clinical testing. Allele origin: germline. Affected: yes.
Comment: In silico analysis supports that this missense variant does not alter protein structure/function; Has not been previously published as pathogenic or benign to our knowledge; This variant is associated with the following publications: (PMID: 22939636)

Eurofins Ntd Llc (ga)
Classification: Uncertain significance. Last evaluated: 2017-11-06. Review status: criteria provided, single submitter. Criteria: EGL Classification Definitions 2015. Collection method: clinical testing. Allele origin: germline. Observed: 1 variant allele, 1 heterozygote.

Dr. Peter K. Rogan Lab, Western University
No classification provided (evidence only). Condition: Uterine corpus endometrial carcinoma. Review status: no classification provided. Collection method: in vitro. Allele origin: not applicable. Functional consequence: retained intron. Not counted in ClinVar's aggregate classification.